The following is an entry in ClinVar:

ClinVar aggregate classification (germline): Uncertain significance. Review status: criteria provided, multiple submitters, no conflicts (2 of 4 stars). 3 submissions from 3 submitters: Uncertain significance (3). Last evaluated 2026-08-04.

Conditions:
Bardet-Biedl syndrome (BBS). Identifiers: Orphanet 110, MedGen C0752166, MONDO:0015229.
BBS4-related disorder. Also called: BBS4-related condition.
Bardet-Biedl syndrome 4 (BBS4). Identifiers: Orphanet 110, MedGen C2936864, MONDO:0014433, OMIM 615982.

Allele frequency attached by ClinVar (database versions not stated): gnomAD 0.00001; ExAC 0.00002; gnomAD exomes 0.00002 and 0.00003; TOPMed 0.00002.
gnomAD v4.1: 49 of 1,602,400 alleles (0.0031%); highest among the groups gnomAD compares: Non-Finnish European, 0.0035%; no homozygotes.

Submissions (3):

PreventionGenetics, part of Exact Sciences
Classification: Uncertain significance for BBS4-related condition. Last evaluated: 2026-08-04. Review status: criteria provided, single submitter. Criteria: ACMG Guidelines, 2015. Collection method: clinical testing. Allele origin: germline.
Comment: The BBS4 c.65G>A variant is predicted to result in the amino acid substitution p.Arg22Gln. This variant has been reported as uncertain in one individual with Bardet Biedl syndrome, who also carried two truncating variants in BBS12 gene (Tables S1 and S3, Nasser et al. 2022. PubMed ID: 35886001). This variant is reported in 0.0040% of alleles in individuals of African descent in gnomAD. At this time, the clinical significance of this variant is uncertain due to the absence of conclusive functional and genetic evidence.

Fulgent Genetics
Classification: Uncertain significance for Bardet-Biedl syndrome 4. Last evaluated: 2024-04-24. Review status: criteria provided, single submitter. Criteria: ACMG Guidelines, 2015. Collection method: clinical testing. Allele origin: germline.

Labcorp Genetics (formerly Invitae), Labcorp
Classification: Uncertain significance for Bardet-Biedl syndrome. Last evaluated: 2022-09-01. Review status: criteria provided, single submitter. Criteria: Invitae Variant Classification Sherloc (09022015). Collection method: clinical testing. Allele origin: germline.
Comment: This sequence change replaces arginine, which is basic and polar, with glutamine, which is neutral and polar, at codon 22 of the BBS4 protein (p.Arg22Gln). The frequency data for this variant in the population databases is considered unreliable, as metrics indicate poor data quality at this position in the gnomAD database. This variant has not been reported in the literature in individuals affected with BBS4-related conditions. ClinVar contains an entry for this variant (Variation ID: 1017314). Algorithms developed to predict the effect of missense changes on protein structure and function output the following: SIFT: "Tolerated"; PolyPhen-2: "Benign"; Align-GVGD: "Class C0". The glutamine amino acid residue is found in multiple mammalian species, which suggests that this missense change does not adversely affect protein function. Algorithms developed to predict the effect of sequence changes on RNA splicing suggest that this variant may create or strengthen a splice site. In summary, the available evidence is currently insufficient to determine the role of this variant in disease. Therefore, it has been classified as a Variant of Uncertain Significance.

NM_033028.5(BBS4):c.65G>A (p.Arg22Gln)

Gene: BBS4 (Bardet-Biedl syndrome 4; plus strand). Cytogenetic location: 15q24.1.
Variant type: single nucleotide variant.
Coding change: c.65G>A on transcript NM_033028.5 (MANE Select); coding-DNA position 65, G replaced by A.
Protein change: p.Arg22Gln; replaces arginine 22 with glutamine.
Molecular consequence: missense variant. On other transcripts: non-coding transcript variant (2), intron variant (1).
Genome position (GRCh38, 1-based): chr15:72,695,217, G>A. VCF-style: chr15-72695217-G-A. GRCh37 (hg19) VCF-style: chr15-72987558-G-A.
Other names: c.65G>A (NM_033028.4); c.65G>A, p.Arg22Gln (NM_001320665.2); c.-446+8966G>A (NM_001252678.2); short protein forms R22Q.
Identifiers: ClinVar variation 1017314 (VCV001017314.8), dbSNP rs775955872, ClinGen allele CA7646460.